The following is an entry in ClinVar:

ClinVar aggregate classification (germline): Uncertain significance. Review status: criteria provided, multiple submitters, no conflicts (2 of 4 stars). 2 submissions from 2 submitters: Uncertain significance (2). Last evaluated 2026-06-04.

Conditions:
Jeune thoracic dystrophy. Also called: Jeune syndrome; Infantile thoracic dystrophy; Thoracic pelvic phalangeal dystrophy; Jeune's syndrome; Chondroectodermal dysplasia-like syndrome; Short-rib thoracic dysplasia. Identifiers: Orphanet 474, MedGen C0265275, MONDO:0018770.
Nephronophthisis. Also called: Juvenile Nephronophthisis. Identifiers: Orphanet 655, MedGen C0687120, MONDO:0019005, HP:0000090.
TTC21B-related disorder. Also called: TTC21B-related condition; TTC21B-related disorders.

gnomAD v4.1: 2 of 1,612,492 alleles (0.00012%); highest among the groups gnomAD compares: Non-Finnish European, 0.000085%; no homozygotes.

Submissions (2):

PreventionGenetics, part of Exact Sciences
Classification: Uncertain significance for TTC21B-related condition. Last evaluated: 2026-06-04. Review status: criteria provided, single submitter. Criteria: ACMG Guidelines, 2015. Collection method: clinical testing. Allele origin: germline.
Comment: The TTC21B c.242A>G variant is predicted to result in the amino acid substitution p.His81Arg. To our knowledge, this variant has not been reported in the literature or in a large population database (gnomAD), indicating this variant is rare. At this time, the clinical significance of this variant is uncertain due to the absence of conclusive functional and genetic evidence.

Labcorp Genetics (formerly Invitae), Labcorp
Classification: Uncertain significance for Jeune thoracic dystrophy; Nephronophthisis. Last evaluated: 2024-01-22. Review status: criteria provided, single submitter. Criteria: Invitae Variant Classification Sherloc (09022015). Collection method: clinical testing. Allele origin: germline.
Comment: This sequence change replaces histidine, which is basic and polar, with arginine, which is basic and polar, at codon 81 of the TTC21B protein (p.His81Arg). This variant is not present in population databases (gnomAD no frequency). This variant has not been reported in the literature in individuals affected with TTC21B-related conditions. Advanced modeling of protein sequence and biophysical properties (such as structural, functional, and spatial information, amino acid conservation, physicochemical variation, residue mobility, and thermodynamic stability) has been performed at Invitae for this missense variant, however the output from this modeling did not meet the statistical confidence thresholds required to predict the impact of this variant on TTC21B protein function. In summary, the available evidence is currently insufficient to determine the role of this variant in disease. Therefore, it has been classified as a Variant of Uncertain Significance.

NM_024753.5(TTC21B):c.242A>G (p.His81Arg)

Gene: TTC21B (tetratricopeptide repeat domain 21B; minus strand). Cytogenetic location: 2q24.3.
Variant type: single nucleotide variant.
Coding change: c.242A>G on transcript NM_024753.5 (MANE Select); coding-DNA position 242, A replaced by G.
Protein change: p.His81Arg; replaces histidine 81 with arginine.
Molecular consequence: missense variant.
Genome position (GRCh38, 1-based): chr2:165,949,414, T>C on the plus strand (A>G on the coding strand, the complement: TTC21B is on the minus strand). VCF-style: chr2-165949414-T-C. GRCh37 (hg19) VCF-style: chr2-166805924-T-C.
Other names: c.242A>G (NM_024753.4); short protein forms H81R.
Identifiers: ClinVar variation 2928005 (VCV002928005.4), dbSNP rs1687690052, ClinGen allele CA349055456.